The following is an entry in ClinVar:

ClinVar aggregate classification (germline): Pathogenic/Likely pathogenic. Review status: criteria provided, multiple submitters, no conflicts (2 of 4 stars). 5 submissions from 5 submitters: Pathogenic (1); Likely pathogenic (3). 1 of the submissions does not count toward it. Last evaluated 2024-02-08.

Conditions:
MMACHC-related disorder. Also called: MMACHC-related condition.
Cobalamin C disease. Also called: Methylmalonic aciduria and homocystinuria, Vitamin B12-responsive; Vitamin B12 metabolic defect with combined deficiency of methylmalonyl-CoA mutase and homocysteine:methyltetrahydrofolate methyltransferase; methylmalonic aciduria and homocystinuria type cblC; Methylmalonic aciduria with homocystinuria cblC type; Cobalamin-C methylmalonic acidemia and homocystinuria; Methylmalonic acidemia and homocystinuria cblC type. Identifiers: Orphanet 26, Orphanet 79282, MedGen C1848561, MONDO:0010184, OMIM 277400.

Submissions (5):

Labcorp Genetics (formerly Invitae), Labcorp
Classification: Pathogenic for Cobalamin C disease. Last evaluated: 2024-02-08. Review status: criteria provided, single submitter. Criteria: Invitae Variant Classification Sherloc (09022015). Collection method: clinical testing. Allele origin: germline.
Comment: This sequence change creates a premature translational stop signal (p.Glu170Cysfs*36) in the MMACHC gene. While this is not anticipated to result in nonsense mediated decay, it is expected to disrupt the last 113 amino acid(s) of the MMACHC protein. This variant is not present in population databases (gnomAD no frequency). This premature translational stop signal has been observed in individual(s) with combined methylmalonic acidemia and hyperhomocysteinemia (PMID: 20924684). ClinVar contains an entry for this variant (Variation ID: 556017). Experimental studies and prediction algorithms are not available or were not evaluated, and the functional significance of this variant is currently unknown. This variant disrupts a region of the MMACHC protein in which other variant(s) (p.Ile190Tyrfs*13, p.Trp203*, p.Tyr205*) have been determined to be pathogenic (PMID: 16311595, 20631720, 23954310, 27383490). This suggests that this is a clinically significant region of the protein, and that variants that disrupt it are likely to be disease-causing. For these reasons, this variant has been classified as Pathogenic.

Genome-Nilou Lab
Classification: Likely pathogenic for Cobalamin C disease. Last evaluated: 2023-04-11. Review status: criteria provided, single submitter. Criteria: ACMG Guidelines, 2015. Collection method: clinical testing. Allele origin: germline. Affected: no.

Blueprint Genetics
Classification: Likely pathogenic for MMACHC-related disorders. Last evaluated: 2021-03-30. Review status: criteria provided, single submitter. Criteria: ACMG Guidelines, 2015. Collection method: clinical testing. Allele origin: germline. Affected: yes. Observed: 2 variant alleles.

Women's Health and Genetics/Laboratory Corporation of America, LabCorp
Classification: Likely pathogenic for Methylmalonic acidemia with homocystinuria. Last evaluated: 2018-11-16. Review status: criteria provided, single submitter. Criteria: LabCorp Variant Classification Summary - May 2015. Collection method: clinical testing. Allele origin: germline.
Comment: Variant summary: MMACHC c.507_519del13 (p.Glu170CysfsX36) results in a premature termination codon, predicted to cause a truncation of the encoded protein or absence of the protein due to nonsense mediated decay, which are commonly known mechanisms for disease. Truncations downstream of this position have been classified as pathogenic by our laboratory (eg. p.Trp203X, p.Tyr205X). The variant was absent in 246244 control chromosomes. c.507_519del13 has been reported in the literature in individuals affected with Cobalamin C Disease (Methylmalonic Aciduria with Homocystinuria; Lerner-Ellis_2009, Wang_2010). These data indicate that the variant may be associated with disease. To our knowledge, no experimental evidence demonstrating an impact on protein function has been reported. One clinical diagnostic laboratory has submitted clinical-significance assessments for this variant to ClinVar after 2014 without evidence for independent evaluation. One laboratory classified the variant as pathogenic. Based on the evidence outlined above, the variant was classified as likely pathogenic.

Counsyl
Classification: Pathogenic for Cobalamin C disease. Last evaluated: 2018-01-08. Review status: no assertion criteria provided. Collection method: clinical testing. Allele origin: unknown. Not counted in ClinVar's aggregate classification.

Literature cited by the submitters: PubMed 20924684 (cited by 3 submitters); PubMed 16311595 (cited by Labcorp Genetics (formerly Invitae), Labcorp); PubMed 20631720 (cited by Labcorp Genetics (formerly Invitae), Labcorp); PubMed 23954310 (cited by Labcorp Genetics (formerly Invitae), Labcorp); PubMed 27383490 (cited by Labcorp Genetics (formerly Invitae), Labcorp); PubMed 19370762 (cited by Women's Health and Genetics/Laboratory Corporation of America, LabCorp and Counsyl).

NM_015506.3(MMACHC):c.507_519del (p.Glu170fs)

Gene: MMACHC (metabolism of cobalamin associated C; plus strand). Cytogenetic location: 1p34.1.
Variant type: Deletion.
Coding change: c.507_519del on transcript NM_015506.3 (MANE Select); coding-DNA positions 507 to 519, 13 bases deleted (AGAGGTGCCAGAT).
Protein change: p.Glu170fs; shifts the reading frame from glutamic acid 170.
Molecular consequence: frameshift variant.
Genome position (GRCh38, 1-based): chr1:45,508,873-45,508,885, AGAGGTGCCAGAT deleted; deleting any 13 consecutive bases within chr1:45,508,870-45,508,885 gives the same sequence; the c. name uses the placement nearest the transcript's 3' end. VCF-style (leftmost placement, unchanged base first): chr1-45508869-GGATAGAGGTGCCA-G. GRCh37 (hg19) VCF-style: chr1-45974541-GGATAGAGGTGCCA-G.
Other names: c.507_519del (NM_015506.2); c.336_348del, p.Glu113fs (NM_001330540.2); short protein forms E113fs, E170fs.
Identifiers: ClinVar variation 556017 (VCV000556017.18), dbSNP rs1553162923, ClinGen allele CA658821029.
Genomic context (GRCh38, chr1:45,508,869, plus strand): 5'-TGTGCATACACCCCCGATTTGGGGGCTGGTTTGCCATCCGAGGGGTAGTGCTGCTGCCAG[GGATAGAGGTGCCA>G]GATCTGCCACCCAGAAAACCTCATGACTGTGTACCTACAAGAGCTGACCGTATCGCCCTA-3'